The following is an entry in ClinVar:

NM_006361.6(HOXB13):c.217A>G (p.Thr73Ala)

Gene: HOXB13 (homeobox B13; minus strand). Cytogenetic location: 17q21.32.
Variant type: single nucleotide variant.
Coding change: c.217A>G on transcript NM_006361.6 (MANE Select); coding-DNA position 217, A replaced by G.
Protein change: p.Thr73Ala; replaces threonine 73 with alanine.
Molecular consequence: missense variant.
Genome position (GRCh38, 1-based): chr17:48,728,377, T>C on the plus strand (A>G on the coding strand, the complement: HOXB13 is on the minus strand). VCF-style: chr17-48728377-T-C. GRCh37 (hg19) VCF-style: chr17-46805739-T-C.
Other names: short protein forms T73A.
Identifiers: ClinVar variation 690635 (VCV000690635.5), dbSNP rs1597934763, ClinGen allele CA400107905.
Genomic context (GRCh38, chr17:48,728,377, plus strand): 5'-ACACTCGGCAGGAGTAGTACCCGCCTCCAAAGTAACCATAAGGCACGGGAGCTGGGGACG[T>C]CCCCTGGGGCACCCCAGGGCATGGGTGGCATTGCTTTGGCGGCTCCGCCGAGCCTGGCAG-3'
Protein context (NP_006352.2, residues 63-83): CHPCPGVPQG[Thr73Ala]SPAPVPYGYF

ClinVar aggregate classification (germline): Uncertain significance. Review status: criteria provided, single submitter (1 of 4 stars). 2 submissions from 2 submitters: Uncertain significance (1). 1 of the submissions does not count toward it. Last evaluated 2023-03-21.

Conditions:
Prostate cancer, hereditary, 1 (HPC1). Identifiers: Orphanet 1331, MedGen C4722327, MONDO:0011098, OMIM 601518.

Submissions (2):

Labcorp Genetics (formerly Invitae), Labcorp
Classification: Uncertain significance. Last evaluated: 2023-03-21. Review status: criteria provided, single submitter. Criteria: Invitae Variant Classification Sherloc (09022015). Collection method: clinical testing. Allele origin: germline.
Comment: In summary, the available evidence is currently insufficient to determine the role of this variant in disease. Therefore, it has been classified as a Variant of Uncertain Significance. This sequence change replaces threonine, which is neutral and polar, with alanine, which is neutral and non-polar, at codon 73 of the HOXB13 protein (p.Thr73Ala). This variant is not present in population databases (gnomAD no frequency). This variant has not been reported in the literature in individuals affected with HOXB13-related conditions. ClinVar contains an entry for this variant (Variation ID: 690635). Advanced modeling of protein sequence and biophysical properties (such as structural, functional, and spatial information, amino acid conservation, physicochemical variation, residue mobility, and thermodynamic stability) performed at Invitae indicates that this missense variant is not expected to disrupt HOXB13 protein function.

Laboratory of Virology, Microbiology,  Quality and Medical Biotechnologies, Faculty of Sciences and Techniques - Mohammedia, Hassan II University of Casablanca
Classification: Uncertain significance for Prostate cancer, hereditary, 1. Review status: no assertion criteria provided. Collection method: clinical testing. Allele origin: somatic. Affected: yes. Not counted in ClinVar's aggregate classification.